The following is an entry in ClinVar:

NM_001448.3(GPC4):c.967A>G (p.Ile323Val)

Gene: GPC4 (glypican 4; minus strand). Cytogenetic location: Xq26.2.
Variant type: single nucleotide variant.
Coding change: c.967A>G on transcript NM_001448.3 (MANE Select); coding-DNA position 967, A replaced by G.
Protein change: p.Ile323Val; replaces isoleucine 323 with valine.
Molecular consequence: missense variant.
Genome position (GRCh38, 1-based): chrX:133,306,065, T>C on the plus strand (A>G on the coding strand, the complement: GPC4 is on the minus strand). VCF-style: chrX-133306065-T-C. GRCh37 (hg19) VCF-style: chrX-132440093-T-C.
Other names: short protein forms I323V.
Identifiers: ClinVar variation 3343322 (VCV003343322.1).

ClinVar aggregate classification (germline): Uncertain significance (1 of 4 stars; one submission).

gnomAD v4.1: 1 of 1,211,084 alleles (0.000083%); highest among the groups gnomAD compares: African/African-American, 0.0017%; no homozygotes.

Submission:

GeneDx
Classification: Uncertain significance. Last evaluated: 2023-05-03. Review status: criteria provided, single submitter. Criteria: GeneDx Variant Classification Process June 2021. Collection method: clinical testing. Allele origin: germline. Affected: yes.
Comment: Not observed at significant frequency in large population cohorts (gnomAD); In silico analysis supports that this missense variant does not alter protein structure/function; Has not been previously published as pathogenic or benign to our knowledge